The following is an entry in ClinVar:

ClinVar aggregate classification (germline): Uncertain significance. Review status: criteria provided, multiple submitters, no conflicts (2 of 4 stars). 2 submissions from 2 submitters: Uncertain significance (2). Last evaluated 2026-01-12.

Conditions:
MYO6-related disorder. Also called: MYO6-related disorders; MYO6-related condition.

Allele frequency attached by ClinVar (database versions not stated): ExAC 0.00005; gnomAD 0.00005; TOPMed 0.00005; gnomAD exomes 0.00006.
gnomAD v4.1: 85 of 1,613,332 alleles (0.0053%); highest among the groups gnomAD compares: Non-Finnish European, 0.0069%; no homozygotes.

Submissions (2):

PreventionGenetics, part of Exact Sciences
Classification: Uncertain significance for MYO6-related condition. Last evaluated: 2026-01-12. Review status: criteria provided, single submitter. Criteria: ACMG Guidelines, 2015. Collection method: clinical testing. Allele origin: germline.
Comment: The MYO6 c.163A>G variant is predicted to result in the amino acid substitution p.Ser55Gly. To our knowledge, this variant has not been reported in the literature. This variant is reported in 0.012% of alleles in individuals of European (Non-Finnish) descent in gnomAD. At this time, the clinical significance of this variant is uncertain due to the absence of conclusive functional and genetic evidence.

GeneDx
Classification: Uncertain significance. Last evaluated: 2017-07-13. Review status: criteria provided, single submitter. Criteria: GeneDx Variant Classification (06012015). Collection method: clinical testing. Allele origin: germline. Affected: yes.
Comment: The S55G variant in the MYO6 gene has not been reported previously as a pathogenic variant, nor as a benign variant, to our knowledge. This variant is observed in 6/66722 (0.009%) alleles from individuals of non-Finnish European background in the ExAC dataset (Lek et al., 2016). The S55G variant is a non-conservative amino acid substitution, which is likely to impact secondary protein structure as these residues differ in polarity, charge, size and/or other properties. This substitution occurs at a position that is not conserved. In silico analysis is inconsistent in its predictions as to whether or not the variant is damaging to the protein structure/function. We interpret S55G as a variant of uncertain significance.

NM_004999.4(MYO6):c.163A>G (p.Ser55Gly)

Gene: MYO6 (myosin VI; plus strand). Cytogenetic location: 6q14.1.
Variant type: single nucleotide variant.
Coding change: c.163A>G on transcript NM_004999.4 (MANE Select); coding-DNA position 163, A replaced by G.
Protein change: p.Ser55Gly; replaces serine 55 with glycine.
Molecular consequence: missense variant. On other transcripts: non-coding transcript variant (2).
Genome position (GRCh38, 1-based): chr6:75,822,827, A>G. VCF-style: chr6-75822827-A-G. GRCh37 (hg19) VCF-style: chr6-76532544-A-G.
Other names: c.163A>G, p.Ser55Gly (NM_001300899.2, NM_001368136.1, NM_001368137.1 and 5 more transcripts); short protein forms S55G.
Identifiers: ClinVar variation 450251 (VCV000450251.3), dbSNP rs774802052, ClinGen allele CA3896739.
Genomic context (GRCh38, chr6:75,822,827, plus strand): 5'-TGTTTTGCTTGTTAGACATTTTTGGCTCTCATAAACCAAGTGTTTCCTGCAGAAGAGGAC[A>G]GTAAAAAAGATGTGGAAGATAACTGTAAGTACCAAGTTAAAAATTAACTCTCCGCACAGA-3'
Protein context (NP_004990.3, residues 45-65): INQVFPAEED[Ser55Gly]KKDVEDNCSL